The following is an entry in ClinVar:

NM_001145809.2(MYH14):c.4166A>G (p.Lys1389Arg)

Gene: MYH14 (myosin heavy chain 14; plus strand). Cytogenetic location: 19q13.33.
Variant type: single nucleotide variant.
Coding change: c.4166A>G on transcript NM_001145809.2 (MANE Select); coding-DNA position 4166, A replaced by G.
Protein change: p.Lys1389Arg; replaces lysine 1389 with arginine.
Molecular consequence: missense variant.
Genome position (GRCh38, 1-based): chr19:50,280,259, A>G. VCF-style: chr19-50280259-A-G. GRCh37 (hg19) VCF-style: chr19-50783516-A-G.
Other names: c.4067A>G, p.Lys1356Arg (NM_001077186.2); c.4043A>G, p.Lys1348Arg (NM_024729.4); short protein forms K1356R, K1348R, K1389R.
Identifiers: ClinVar variation 2712294 (VCV002712294.3), dbSNP rs1159026652, ClinGen allele CA406957448.

ClinVar aggregate classification (germline): Uncertain significance (1 of 4 stars; one submission).

Allele frequency attached by ClinVar (database versions not stated): gnomAD 0.00001; gnomAD exomes 0.00001; TOPMed 0.00001.
gnomAD v4.1: 16 of 1,551,534 alleles (0.001%); highest among the groups gnomAD compares: Admixed American, 0.002%; no homozygotes.

Submission:

Labcorp Genetics (formerly Invitae), Labcorp
Classification: Uncertain significance. Last evaluated: 2023-12-07. Review status: criteria provided, single submitter. Criteria: Invitae Variant Classification Sherloc (09022015). Collection method: clinical testing. Allele origin: germline.
Comment: This sequence change replaces lysine, which is basic and polar, with arginine, which is basic and polar, at codon 1348 of the MYH14 protein (p.Lys1348Arg). This variant is present in population databases (no rsID available, gnomAD 0.003%). This variant has not been reported in the literature in individuals affected with MYH14-related conditions. Advanced modeling of protein sequence and biophysical properties (such as structural, functional, and spatial information, amino acid conservation, physicochemical variation, residue mobility, and thermodynamic stability) performed at Invitae indicates that this missense variant is not expected to disrupt MYH14 protein function with a negative predictive value of 80%. In summary, the available evidence is currently insufficient to determine the role of this variant in disease. Therefore, it has been classified as a Variant of Uncertain Significance.